The following is an entry in ClinVar:

ClinVar aggregate classification (germline): Uncertain significance. Review status: criteria provided, multiple submitters, no conflicts (2 of 4 stars). 2 submissions from 2 submitters: Uncertain significance (2). Last evaluated 2024-09-01.

Conditions:
Hereditary cancer-predisposing syndrome. Also called: Tumor predisposition; Hereditary neoplastic syndrome; Neoplastic Syndromes, Hereditary; Hereditary Cancer Syndrome. Identifiers: Orphanet 140162, MedGen C0027672, MeSH D009386, MONDO:0015356.

Allele frequency attached by ClinVar (database versions not stated): TOPMed below 0.00001.

Submissions (2):

Labcorp Genetics (formerly Invitae), Labcorp
Classification: Uncertain significance. Last evaluated: 2024-09-01. Review status: criteria provided, single submitter. Criteria: Invitae Variant Classification Sherloc (09022015). Collection method: clinical testing. Allele origin: germline.
Comment: This sequence change replaces leucine, which is neutral and non-polar, with proline, which is neutral and non-polar, at codon 64 of the NTHL1 protein (p.Leu64Pro). This variant is not present in population databases (gnomAD no frequency). This variant has not been reported in the literature in individuals affected with NTHL1-related conditions. ClinVar contains an entry for this variant (Variation ID: 1426759). An algorithm developed to predict the effect of missense changes on protein structure and function outputs the following: PolyPhen-2: "Benign". The proline amino acid residue is found in multiple mammalian species, which suggests that this missense change does not adversely affect protein function. In summary, the available evidence is currently insufficient to determine the role of this variant in disease. Therefore, it has been classified as a Variant of Uncertain Significance.

Ambry Genetics
Classification: Uncertain significance for Hereditary cancer-predisposing syndrome. Last evaluated: 2024-07-29. Review status: criteria provided, single submitter. Criteria: Ambry Variant Classification Scheme 2023. Collection method: clinical testing. Allele origin: germline.
Comment: The p.L64P variant (also known as c.191T>C), located in coding exon 2 of the NTHL1 gene, results from a T to C substitution at nucleotide position 191. The leucine at codon 64 is replaced by proline, an amino acid with similar properties. This amino acid position is not well conserved in available vertebrate species. In addition, this alteration is predicted to be tolerated by in silico analysis. Since supporting evidence is limited at this time, the clinical significance of this alteration remains unclear.

NM_002528.7(NTHL1):c.167T>C (p.Leu56Pro)

Gene: NTHL1 (nth like DNA glycosylase 1; minus strand). Cytogenetic location: 16p13.3.
Variant type: single nucleotide variant.
Coding change: c.167T>C on transcript NM_002528.7 (MANE Select); coding-DNA position 167, T replaced by C.
Protein change: p.Leu56Pro; replaces leucine 56 with proline.
Molecular consequence: missense variant. On other transcripts: 5 prime UTR variant (1).
Genome position (GRCh38, 1-based): chr16:2,046,315, A>G on the plus strand (T>C on the coding strand, the complement: NTHL1 is on the minus strand). VCF-style: chr16-2046315-A-G. GRCh37 (hg19) VCF-style: chr16-2096316-A-G.
Other names: c.167T>C, p.Leu56Pro (NM_001318193.2); c.-12T>C (NM_001318194.2); short protein forms L56P.
Identifiers: ClinVar variation 1426759 (VCV001426759.9), dbSNP rs1356728287, ClinGen allele CA394297890.